The following is an entry in ClinVar:

NM_001042750.2(STAG2):c.149C>T (p.Pro50Leu)

Gene: STAG2 (STAG2 cohesin complex component; plus strand). Cytogenetic location: Xq25.
Variant type: single nucleotide variant.
Coding change: c.149C>T on transcript NM_001042750.2 (MANE Select); coding-DNA position 149, C replaced by T.
Protein change: p.Pro50Leu; replaces proline 50 with leucine.
Molecular consequence: missense variant.
Genome position (GRCh38, 1-based): chrX:124,030,986, C>T. VCF-style: chrX-124030986-C-T. GRCh37 (hg19) VCF-style: chrX-123164836-C-T.
Other names: c.149C>T, p.Pro50Leu (NM_001042749.2, NM_001042751.2, NM_001282418.2 and 13 more transcripts); short protein forms P50L.
Identifiers: ClinVar variation 2661353 (VCV002661353.24), dbSNP rs2057315917, ClinGen allele CA414272213.

ClinVar aggregate classification (germline): Uncertain significance (1 of 4 stars; one submission).

Allele frequency attached by ClinVar (database versions not stated): gnomAD exomes below 0.00001.

Submission:

CeGaT Center for Human Genetics Tuebingen
Classification: Uncertain significance. Last evaluated: 2022-09-01. Review status: criteria provided, single submitter. Criteria: CeGaT Center For Human Genetics Tuebingen Variant Classification Criteria Version 2. Collection method: clinical testing. Allele origin: germline. Affected: yes. Observed: 1 variant allele.
Comment: STAG2: PM2, PP2